The following is an entry in ClinVar:

NM_000540.3(RYR1):c.11206G>C (p.Glu3736Gln)

Gene: RYR1 (ryanodine receptor 1; plus strand). Cytogenetic location: 19q13.2.
Variant type: single nucleotide variant.
Coding change: c.11206G>C on transcript NM_000540.3 (MANE Select); coding-DNA position 11206, G replaced by C.
Protein change: p.Glu3736Gln; replaces glutamic acid 3736 with glutamine.
Molecular consequence: missense variant.
Genome position (GRCh38, 1-based): chr19:38,532,683, G>C. VCF-style: chr19-38532683-G-C. GRCh37 (hg19) VCF-style: chr19-39023323-G-C.
Other names: c.11191G>C, p.Glu3731Gln (NM_001042723.2); short protein forms E3731Q, E3736Q.
Identifiers: ClinVar variation 4758502 (VCV004758502.1).
Genomic context (GRCh38, chr19:38,532,683, plus strand): 5'-ATGGAGGGGTCTGCTTTGTTCATCCCTTAACTGATGCCCCCTCCCCAGAGCTGCCACCTG[G>C]AGGAGGGAGGGGAGAACGGTGAAGCTGAAGAGGAGGTTGAGGTCTCCTTTGAGGTAGGTG-3'
Protein context (NP_000531.2, residues 3726-3746): ADIMAKSCHL[Glu3736Gln]EGGENGEAEE

ClinVar aggregate classification (germline): Uncertain significance (1 of 4 stars; one submission).

Conditions:
Malignant hyperthermia, susceptibility to, 1 (MHS1). Also called: RYR1-Related Malignant Hyperthermia Susceptibility; Malignant hyperthermia suceptibility 1; Anesthesia related hyperthermia; Malignant hyperpyrexia; Fulminating hyperpyrexia; Pharmacogenic myopathy. Identifiers: Orphanet 423, MedGen C2930980, MONDO:0007783, OMIM 145600.

Submission:

Color Diagnostics, LLC DBA Color Health
Classification: Uncertain significance for Malignant hyperthermia, susceptibility to, 1. Last evaluated: 2025-10-05. Review status: criteria provided, single submitter. Criteria: ACMG Guidelines, 2015. Collection method: clinical testing. Allele origin: germline.
Comment: This missense variant replaces glutamic acid with glutamine at codon 3736 of the RYR1 protein. Computational prediction suggests that this variant may not impact protein structure and function. To our knowledge, functional studies have not been reported for this variant. This variant has not been reported in individuals affected with RYR1-related disorders in the literature. This variant has been identified in 1/31394 chromosomes in the general population by the Genome Aggregation Database (gnomAD). The available evidence is insufficient to determine the role of this variant in disease conclusively. Therefore, this variant is classified as a Variant of Uncertain Significance.